The following is an entry in ClinVar:

ClinVar aggregate classification (germline): Uncertain significance (1 of 4 stars; one submission).

Conditions:
Hereditary cancer-predisposing syndrome. Also called: Tumor predisposition; Hereditary neoplastic syndrome; Neoplastic Syndromes, Hereditary; Hereditary Cancer Syndrome. Identifiers: Orphanet 140162, MedGen C0027672, MeSH D009386, MONDO:0015356.

Submission:

Ambry Genetics
Classification: Uncertain significance for Hereditary cancer-predisposing syndrome. Last evaluated: 2025-06-13. Review status: criteria provided, single submitter. Criteria: Ambry Variant Classification Scheme 2023. Collection method: clinical testing. Allele origin: germline.
Comment: The p.A1708P variant (also known as c.5122G>C), located in coding exon 10 of the BRCA2 gene, results from a G to C substitution at nucleotide position 5122. The alanine at codon 1708 is replaced by proline, an amino acid with highly similar properties. This amino acid position is not well conserved in available vertebrate species. In addition, this alteration is predicted to be tolerated by in silico analysis. Based on the available evidence, the clinical significance of this variant remains unclear.

NM_000059.4(BRCA2):c.5122G>C (p.Ala1708Pro)

Gene: BRCA2 (BRCA2 DNA repair associated; plus strand). Cytogenetic location: 13q13.1.
Variant type: single nucleotide variant.
Coding change: c.5122G>C on transcript NM_000059.4 (MANE Select); coding-DNA position 5122, G replaced by C.
Protein change: p.Ala1708Pro; replaces alanine 1708 with proline.
Molecular consequence: missense variant. On other transcripts: non-coding transcript variant (1), intron variant (2).
Genome position (GRCh38, 1-based): chr13:32,339,477, G>C. VCF-style: chr13-32339477-G-C. GRCh37 (hg19) VCF-style: chr13-32913614-G-C.
Other names: c.5122G>C, p.Ala1708Pro (NM_001406719.1, NM_001406720.1, NM_001432077.1); c.1910-5081G>C (NM_001406721.1); c.425-5081G>C (NM_001406722.1); short protein forms A1708P.
Identifiers: ClinVar variation 3992861 (VCV003992861.1).